The following is an entry in ClinVar:

NM_001371623.1(TCOF1):c.1270C>T (p.Pro424Ser)

Gene: TCOF1 (treacle ribosome biogenesis factor 1; plus strand). Cytogenetic location: 5q32.
Variant type: single nucleotide variant.
Coding change: c.1270C>T on transcript NM_001371623.1 (MANE Select); coding-DNA position 1270, C replaced by T.
Protein change: p.Pro424Ser; replaces proline 424 with serine.
Molecular consequence: missense variant.
Genome position (GRCh38, 1-based): chr5:150,374,803, C>T. VCF-style: chr5-150374803-C-T. GRCh37 (hg19) VCF-style: chr5-149754366-C-T.
Other names: c.1039C>T, p.Pro347Ser (NM_000356.4, NM_001135245.2, NM_001437406.1); c.1270C>T, p.Pro424Ser (NM_001008657.3, NM_001135243.2, NM_001135244.2 and 1 more transcripts); short protein forms P424S, P347S.
Identifiers: ClinVar variation 5030587 (VCV005030587.1).
Genomic context (GRCh38, chr5:150,374,803, plus strand): 5'-GGGAAGCGGGAGGAGGACTCGCAGAGCAGCAGCGAGGAATCGGACAGTGAGGAGGAGGCG[C>T]CTGCTCAGGTGAGGCAGAGGGGAGGGGTGGAGAGTAGCCCCATGCCTAAACCCCAGCACC-3'
Protein context (NP_001358552.1, residues 414-434): SEESDSEEEA[Pro424Ser]AQAKPSGKAP

ClinVar aggregate classification (germline): Uncertain significance (1 of 4 stars; one submission).

Conditions:
Inborn genetic diseases. Identifiers: MedGen C0950123, MeSH D030342.

gnomAD v4.1: 4 of 1,609,142 alleles (0.00025%); highest among the groups gnomAD compares: Non-Finnish European, 0.00034%; no homozygotes.

Submission:

Ambry Genetics
Classification: Uncertain significance for Inborn genetic diseases. Last evaluated: 2026-07-19. Review status: criteria provided, single submitter. Criteria: Ambry Variant Classification Scheme 2023. Collection method: clinical testing. Allele origin: germline.
Comment: The c.1270C>T (p.P424S) alteration is located in exon 9 (coding exon 9) of the TCOF1 gene. This alteration results from a C to T substitution at nucleotide position 1270, causing the proline (P) at amino acid position 424 to be replaced by a serine (S). Based on data from gnomAD, the T allele has an overall frequency of 0.003% (1/31306) total alleles studied. The highest observed frequency was 0.007% (1/15372) of European (non-Finnish) alleles. Based on insufficient or conflicting evidence, the clinical significance of this alteration remains unclear.